The following is an entry in ClinVar:

NM_001127208.3(TET2):c.1132G>A (p.Gly378Ser)

Genes: TET2 (tet methylcytosine dioxygenase 2; plus strand), TET2-AS1 (TET2 antisense RNA 1; minus strand). Cytogenetic location: 4q24.
Variant type: single nucleotide variant.
Coding change: c.1132G>A on transcript NM_001127208.3 (MANE Select); coding-DNA position 1132, G replaced by A.
Protein change: p.Gly378Ser; replaces glycine 378 with serine.
Molecular consequence: missense variant.
Genome position (GRCh38, 1-based): chr4:105,235,074, G>A. VCF-style: chr4-105235074-G-A. GRCh37 (hg19) VCF-style: chr4-106156231-G-A.
Other names: c.1132G>A, p.Gly378Ser (NM_017628.4); short protein forms G378S.
Identifiers: ClinVar variation 4594221 (VCV004594221.1).

ClinVar aggregate classification (germline): Uncertain significance (1 of 4 stars; one submission).

Submission:

Ambry Genetics
Classification: Uncertain significance. Last evaluated: 2025-11-25. Review status: criteria provided, single submitter. Criteria: Ambry Variant Classification Scheme 2023. Collection method: clinical testing. Allele origin: germline.
Comment: The p.G378S variant (also known as c.1132G>A), located in coding exon 1 of the TET2 gene, results from a G to A substitution at nucleotide position 1132. The glycine at codon 378 is replaced by serine, an amino acid with similar properties. This amino acid position is conserved. In addition, this alteration is predicted to be tolerated by in silico analysis. Based on the available evidence, the clinical significance of this variant remains unclear.